The following is an entry in ClinVar:

ClinVar aggregate classification (germline): Uncertain significance (1 of 4 stars; one submission).

Conditions:
Inborn genetic diseases. Identifiers: MedGen C0950123, MeSH D030342.

Submission:

Ambry Genetics
Classification: Uncertain significance for Inborn genetic diseases. Last evaluated: 2025-08-13. Review status: criteria provided, single submitter. Criteria: Ambry Variant Classification Scheme 2023. Collection method: clinical testing. Allele origin: germline.
Comment: The c.645-4A>G intronic variant results from an A to G substitution 4 nucleotides upstream from coding exon 8 in the DDX41 gene. This nucleotide position is not well conserved in available vertebrate species. In silico splice site analysis predicts that this alteration will result in the creation or strengthening of a novel splice acceptor site. RNA studies have demonstrated that this alteration results in a transcript predicted to lead to a protein with an in-frame insertion of 1 amino acid(s); however, the exact functional impact of the inserted amino acid(s) is unknown at this time (Ambry internal data). Based on the available evidence, the clinical significance of this variant remains unclear.

NM_016222.4(DDX41):c.645-4A>G

Gene: DDX41 (DEAD-box helicase 41; minus strand). Cytogenetic location: 5q35.3.
Variant type: single nucleotide variant.
Coding change: c.645-4A>G on transcript NM_016222.4 (MANE Select); 4 bases into the intron before coding-DNA position 645, A replaced by G.
Molecular consequence: intron variant.
Genome position (GRCh38, 1-based): chr5:177,515,073, T>C on the plus strand (A>G on the coding strand, the complement: DDX41 is on the minus strand). VCF-style: chr5-177515073-T-C. GRCh37 (hg19) VCF-style: chr5-176942074-T-C.
Other names: c.267-4A>G (NM_001321830.2, NM_001321732.2).
Identifiers: ClinVar variation 4238788 (VCV004238788.1).
Genomic context (GRCh38, chr5:177,515,073, plus strand): 5'-ACCAGTGTCTTGCCTGAACCCGTGAAAGCGATGCCTATCATGTCACGGCCAGATAGACTG[T>C]TGGGAGAGGATGACCCGAGGGCCAATTTCAACAGAAGATGAAGGACACCTAGCCATTGCT-3'